The following is an entry in ClinVar:

NM_020975.6(RET):c.14C>T (p.Thr5Met)

Genes: RET (ret proto-oncogene; plus strand), LOC106736614 (RET 5' regulatory region; plus strand). Cytogenetic location: 10q11.21.
Variant type: single nucleotide variant.
Coding change: c.14C>T on transcript NM_020975.6 (MANE Select); coding-DNA position 14, C replaced by T.
Protein change: p.Thr5Met; replaces threonine 5 with methionine.
Molecular consequence: missense variant.
Genome position (GRCh38, 1-based): chr10:43,077,272, C>T. VCF-style: chr10-43077272-C-T. GRCh37 (hg19) VCF-style: chr10-43572720-C-T.
Other names: c.14C>T, p.Thr5Met (NM_000323.2, NM_001406743.1, NM_001406744.1 and 38 more transcripts); short protein forms T5M.
Identifiers: ClinVar variation 1486379 (VCV001486379.11), dbSNP rs1444096302, ClinGen allele CA376768023.

ClinVar aggregate classification (germline): Uncertain significance. Review status: criteria provided, multiple submitters, no conflicts (2 of 4 stars). 2 submissions from 2 submitters: Uncertain significance (2). Last evaluated 2024-06-28.

Conditions:
Hereditary cancer-predisposing syndrome. Also called: Hereditary neoplastic syndrome; Neoplastic Syndromes, Hereditary; Hereditary Cancer Syndrome; Tumor predisposition. Identifiers: Orphanet 140162, MedGen C0027672, MeSH D009386, MONDO:0015356.
Multiple endocrine neoplasia, type 2 (MEN2). Identifiers: Orphanet 653, MedGen C4048306, MONDO:0019003. Disease mechanism: gain of function.

Allele frequency attached by ClinVar (database versions not stated): gnomAD exomes below 0.00001.
gnomAD v4.1: 1 of 1,506,124 alleles (0.000066%); highest among the groups gnomAD compares: South Asian, 0.0012%; no homozygotes.

Submissions (2):

Labcorp Genetics (formerly Invitae), Labcorp
Classification: Uncertain significance for Multiple endocrine neoplasia, type 2. Last evaluated: 2024-06-28. Review status: criteria provided, single submitter. Criteria: Invitae Variant Classification Sherloc (09022015). Collection method: clinical testing. Allele origin: germline.
Comment: This sequence change replaces threonine, which is neutral and polar, with methionine, which is neutral and non-polar, at codon 5 of the RET protein (p.Thr5Met). The frequency data for this variant in the population databases is considered unreliable, as metrics indicate poor data quality at this position in the gnomAD database. This variant has not been reported in the literature in individuals affected with RET-related conditions. ClinVar contains an entry for this variant (Variation ID: 1486379). An algorithm developed to predict the effect of missense changes on protein structure and function (PolyPhen-2) suggests that this variant is likely to be disruptive. In summary, the available evidence is currently insufficient to determine the role of this variant in disease. Therefore, it has been classified as a Variant of Uncertain Significance.

Ambry Genetics
Classification: Uncertain significance for Hereditary cancer-predisposing syndrome. Last evaluated: 2022-09-19. Review status: criteria provided, single submitter. Criteria: Ambry Variant Classification Scheme 2023. Collection method: clinical testing. Allele origin: germline.
Comment: The p.T5M variant (also known as c.14C>T), located in coding exon 1 of the RET gene, results from a C to T substitution at nucleotide position 14. The threonine at codon 5 is replaced by methionine, an amino acid with similar properties. This amino acid position is well conserved in available vertebrate species. In addition, the in silico prediction for this alteration is inconclusive. Since supporting evidence is limited at this time, the clinical significance of this alteration remains unclear.